The following is an entry in ClinVar:

ClinVar aggregate classification (germline): Uncertain significance (1 of 4 stars; one submission).

Conditions:
Rhabdoid tumor predisposition syndrome 2 (RTPS2). Identifiers: Orphanet 231108, Orphanet 69077, MedGen C2750074, MONDO:0013224, OMIM 613325.

Submission:

Labcorp Genetics (formerly Invitae), Labcorp
Classification: Uncertain significance for Rhabdoid tumor predisposition syndrome 2. Last evaluated: 2021-10-23. Review status: criteria provided, single submitter. Criteria: Invitae Variant Classification Sherloc (09022015). Collection method: clinical testing. Allele origin: germline.
Comment: This sequence change replaces aspartic acid with glutamic acid at codon 1581 of the SMARCA4 protein (p.Asp1581Glu). The aspartic acid residue is highly conserved and there is a small physicochemical difference between aspartic acid and glutamic acid. This variant is not present in population databases (ExAC no frequency). This variant has not been reported in the literature in individuals affected with SMARCA4-related conditions. Algorithms developed to predict the effect of missense changes on protein structure and function are either unavailable or do not agree on the potential impact of this missense change (SIFT: "Deleterious"; PolyPhen-2: "Benign"; Align-GVGD: "Class C35"). In summary, the available evidence is currently insufficient to determine the role of this variant in disease. Therefore, it has been classified as a Variant of Uncertain Significance.

NM_003072.5(SMARCA4):c.4647C>G (p.Asp1549Glu)

Gene: SMARCA4 (SWI/SNF related BAF chromatin remodeling complex subunit ATPase 4; plus strand). Cytogenetic location: 19p13.2.
Variant type: single nucleotide variant.
Coding change: c.4647C>G on transcript NM_003072.5 (MANE Select); coding-DNA position 4647, C replaced by G.
Protein change: p.Asp1549Glu; replaces aspartic acid 1549 with glutamic acid.
Molecular consequence: missense variant. On other transcripts: non-coding transcript variant (1).
Genome position (GRCh38, 1-based): chr19:11,059,764, C>G. VCF-style: chr19-11059764-C-G. GRCh37 (hg19) VCF-style: chr19-11170440-C-G.
Other names: c.4554C>G, p.Asp1518Glu (NM_001128846.2); c.4548C>G, p.Asp1516Glu (NM_001128847.4, NM_001374457.1); c.4545C>G, p.Asp1515Glu (NM_001128848.2); c.4743C>G, p.Asp1581Glu (NM_001128849.3, NM_001387283.1); c.4647C>G, p.Asp1549Glu (NM_001128844.3); c.4557C>G, p.Asp1519Glu (NM_001128845.2); short protein forms D1516E, D1518E, D1581E, D1515E, D1519E, D1549E.
Identifiers: ClinVar variation 1447934 (VCV001447934.6), dbSNP rs1260006751, ClinGen allele CA404079195.